The following is an entry in ClinVar:

ClinVar aggregate classification (germline): Likely benign. Review status: criteria provided, multiple submitters, no conflicts (2 of 4 stars). 3 submissions from 3 submitters: Likely benign (2). 1 of the submissions does not count toward it. Last evaluated 2025-06-29.

Conditions:
PCNT-related disorder. Also called: PCNT-related condition.
Microcephalic osteodysplastic primordial dwarfism type II (MOPD2). Also called: Microcephalic osteodysplastic primordial dwarfism with tooth abnormalities; MOPD II; OSTEODYSPLASTIC PRIMORDIAL DWARFISM, TYPE II. Identifiers: Orphanet 2637, MedGen C0432246, MONDO:0008872, OMIM 210720.

Allele frequency attached by ClinVar (database versions not stated): gnomAD 0.00001 and 0.00004; TOPMed 0.00002; gnomAD exomes 0.00016 and 0.00022; ExAC 0.00028; 1000 Genomes Project 30x 0.00031; 1000 Genomes Project 0.00040.
gnomAD v4.1: 240 of 1,614,188 alleles (0.015%); highest among the groups gnomAD compares: East Asian, 0.52%; 1 homozygote.

Submissions (3):

Labcorp Genetics (formerly Invitae), Labcorp
Classification: Likely benign. Last evaluated: 2025-06-29. Review status: criteria provided, single submitter. Criteria: Invitae Variant Classification Sherloc (09022015). Collection method: clinical testing. Allele origin: germline.

Illumina Laboratory Services, Illumina
Classification: Likely benign for Microcephalic osteodysplastic primordial dwarfism type II. Last evaluated: 2018-01-13. Review status: criteria provided, single submitter. Criteria: ICSL Variant Classification Criteria 13 December 2019. Collection method: clinical testing. Allele origin: germline.
Comment: This variant was observed in the ICSL laboratory as part of a predisposition screen in an ostensibly healthy population. It had not been previously curated by ICSL or reported in the Human Gene Mutation Database (HGMD: prior to June 1st, 2018), and was therefore a candidate for classification through an automated scoring system. Utilizing variant allele frequency, disease prevalence and penetrance estimates, and inheritance mode, an automated score was calculated to assess if this variant is too frequent to cause the disease. Based on the score and internal cut-off values, a variant classified as likely benign is not then subjected to further curation. The score for this variant resulted in a classification of likely benign for this disease.

PreventionGenetics, part of Exact Sciences
Classification: Likely benign for PCNT-related condition. Last evaluated: 2023-09-19. Review status: no assertion criteria provided. Collection method: clinical testing. Allele origin: germline. Not counted in ClinVar's aggregate classification.
Comment: This variant is classified as likely benign based on ACMG/AMP sequence variant interpretation guidelines (Richards et al. 2015 PMID: 25741868, with internal and published modifications).

NM_006031.6(PCNT):c.3698A>C (p.Glu1233Ala)

Gene: PCNT (pericentrin; plus strand). Cytogenetic location: 21q22.3.
Variant type: single nucleotide variant.
Coding change: c.3698A>C on transcript NM_006031.6 (MANE Select); coding-DNA position 3698, A replaced by C.
Protein change: p.Glu1233Ala; replaces glutamic acid 1233 with alanine.
Molecular consequence: missense variant.
Genome position (GRCh38, 1-based): chr21:46,389,289, A>C. VCF-style: chr21-46389289-A-C. GRCh37 (hg19) VCF-style: chr21-47809204-A-C.
Other names: c.3344A>C, p.Glu1115Ala (NM_001315529.2); short protein forms E1115A, E1233A.
Identifiers: ClinVar variation 896881 (VCV000896881.13), dbSNP rs199787861, ClinGen allele CA10079419.